The following is an entry in ClinVar:

ClinVar aggregate classification (germline): Pathogenic/Likely pathogenic. Review status: criteria provided, multiple submitters, no conflicts (2 of 4 stars). 2 submissions from 2 submitters: Pathogenic (1); Likely pathogenic (1). Last evaluated 2026-01-08.

Conditions:
Beckwith-Wiedemann syndrome (BWS). Also called: EMG SYNDROME; Exomphalos macroglossia gigantism syndrome. Identifiers: Orphanet 116, MedGen C0004903, MONDO:0007534, OMIM 130650.

Submissions (2):

Labcorp Genetics (formerly Invitae), Labcorp
Classification: Pathogenic for Beckwith-Wiedemann syndrome. Last evaluated: 2026-01-08. Review status: criteria provided, single submitter. Criteria: Invitae Variant Classification Sherloc (09022015). Collection method: clinical testing. Allele origin: germline.
Comment: This sequence change creates a premature translational stop signal (p.Ser84Argfs*36) in the CDKN1C gene. It is expected to result in an absent or disrupted protein product. Loss-of-function variants in CDKN1C are known to be pathogenic (PMID: 20503313). This variant is not present in population databases (gnomAD no frequency). This variant has not been reported in the literature in individuals affected with CDKN1C-related conditions. For these reasons, this variant has been classified as Pathogenic.

Variantyx, Inc.
Classification: Likely pathogenic for Beckwith-Wiedemann syndrome. Last evaluated: 2025-11-03. Review status: criteria provided, single submitter. Criteria: Variantyx Assertion Criteria 2022. Collection method: clinical testing. Allele origin: germline. Inheritance: Autosomal dominant inheritance. Affected: yes.
Comment: This is a frameshift variant in the CDKN1C gene (OMIM: 600856). Pathogenic variants in this gene, on the maternal allele, have been associated with autosomal dominant Beckwith-Wiedemann syndrome. This variant introduces a premature termination codon in exon 2 out of 4 and is expected to result in loss of function, which is a known disease mechanism for CDKN1C in this disorder (PMID: 26077438) (PVS1). This variant is absent from control populations (PM2) and it has not been reported in individuals with CDKN1C-related disorders in the databases available for review. Based on the current evidence, this variant is classified as likely pathogenic for autosomal dominant Beckwith-Wiedemann syndrome.

Literature cited by the submitters: PubMed 20503313 (cited by Labcorp Genetics (formerly Invitae), Labcorp); PubMed 26077438 (cited by Variantyx, Inc.).

NM_001122630.2(CDKN1C):c.217_230del (p.Ser73fs)

Gene: CDKN1C (cyclin dependent kinase inhibitor 1C; minus strand). Cytogenetic location: 11p15.4.
Variant type: Deletion.
Coding change: c.217_230del on transcript NM_001122630.2 (MANE Select); coding-DNA positions 217 to 230, 14 bases deleted (AGCGACTCGGTGCC).
Protein change: p.Ser73fs; shifts the reading frame from serine 73.
Molecular consequence: frameshift variant.
Genome position (GRCh38, 1-based): chr11:2,885,227-2,885,240, GGCACCGAGTCGCT deleted on the plus strand (AGCGACTCGGTGCC on the coding strand, the reverse complement: CDKN1C is on the minus strand); deleting any 14 consecutive bases within chr11:2,885,227-2,885,241 gives the same sequence; the c. name uses the placement nearest the transcript's 3' end. VCF-style (leftmost placement, unchanged base first): chr11-2885226-GGGCACCGAGTCGCT-G. GRCh37 (hg19) VCF-style: chr11-2906456-GGGCACCGAGTCGCT-G.
Other names: c.250_263del, p.Ser84fs (NM_000076.2, NM_001362474.2); c.217_230del, p.Ser73fs (NM_001122631.2, NM_001362475.2); short protein forms S73fs, S84fs.
Identifiers: ClinVar variation 4734939 (VCV004734939.1).